The following is an entry in ClinVar:

ClinVar aggregate classification (germline): Pathogenic (1 of 4 stars; one submission).

Conditions:
Familial adenomatous polyposis 1 (FAP1). Also called: POLYPOSIS, ADENOMATOUS INTESTINAL; FAMILIAL ADENOMATOUS POLYPOSIS 1, ATTENUATED. Identifiers: MedGen C2713442, MONDO:0021056, OMIM 175100. Disease mechanism: loss of function.

Submission:

Centre for Mendelian Genomics, University Medical Centre Ljubljana
Classification: Pathogenic for Familial adenomatous polyposis 1. Review status: criteria provided, single submitter. Criteria: ACMG Guidelines, 2015. Collection method: clinical testing. Allele origin: inherited. Affected: yes. Observed: 1 variant allele, 1 heterozygote.
Comment: We identified presence of a coverage and sequence profile consistent with the insertion of SVA (SINE-R/VNTR/Alu) element in exon 12 (NM_000038) of the APC gene, predicted to lead to the loss of function of the gene protein product. Similar mutations within coding regions of other genes have been previously reported as pathogenic in other heritable conditions (PMID:31492840) while retrotransposon insertions in the APC gene have been previously described in literature as somatic mutations in colorectal carcinoma (PMID:31492840). In light of the presented arguments we classify this variant as likely pathogenic [PVS1,PM2].

NM_000038.5:c.1465_1466insSVA

Gene: APC (APC regulator of Wnt signaling pathway; plus strand).
Variant type: Insertion.
Identifiers: ClinVar variation 997683 (VCV000997683.3).